The following is an entry in ClinVar:

Conditions:
Long QT syndrome 5 (LQT5). Identifiers: Orphanet 101016, Orphanet 768, MedGen C1867904, MONDO:0013372, OMIM 613695.

Submission:

Roden Lab, Vanderbilt University Medical Center
No classification provided (evidence only). Condition: Long QT syndrome 5. Review status: no classification provided. Collection method: in vitro. Allele origin: not applicable. Functional consequence: Effect on ion channel function.
ClinVar note: "not provided" was previously submitted as the classification for the variant. However, the classification appeared to be based only on an observation of functional data so it was converted to no classification on 2025-07-30.

NM_000219.6(KCNE1):c.14A>G (p.Asn5Ser)

Gene: KCNE1 (potassium voltage-gated channel subfamily E regulatory subunit 1; minus strand). Cytogenetic location: 21q22.12.
Variant type: single nucleotide variant.
Coding change: c.14A>G on transcript NM_000219.6 (MANE Select); coding-DNA position 14, A replaced by G.
Protein change: p.Asn5Ser; replaces asparagine 5 with serine.
Molecular consequence: missense variant.
Genome position (GRCh38, 1-based): chr21:34,449,621, T>C on the plus strand (A>G on the coding strand, the complement: KCNE1 is on the minus strand). VCF-style: chr21-34449621-T-C. GRCh37 (hg19) VCF-style: chr21-35821919-T-C.
Other names: c.14A>G, p.Asn5Ser (NM_001127668.4, NM_001127669.4, NM_001127670.4 and 4 more transcripts); short protein forms N5S.
Identifiers: ClinVar variation 3374153 (VCV003374153.2).
Genomic context (GRCh38, chr21:34,449,621, plus strand): 5'-CCACCCTGCTGAACTGTCTCCTGCCACAGCTTGGTCAGAAAGGGCGTCACCGCTGTGGTG[T>C]TAGACAGGATCATCCTGGGCATTAAGGTTCCACTGCTGCAGCTCAAACTTCCCAGGCACA-3'
Protein context (NP_000210.2, residues 1-15): MILS[Asn5Ser]TTAVTPFLTK